The following is an entry in ClinVar:

ClinVar aggregate classification (germline): Uncertain significance. Review status: criteria provided, multiple submitters, no conflicts (2 of 4 stars). 2 submissions from 2 submitters: Uncertain significance (2). Last evaluated 2024-12-09.

Conditions:
Autosomal dominant hypocalcemia 1 (HYPOC1). Also called: HYPOCALCEMIA, FAMILIAL. Identifiers: MedGen C3715128, MONDO:0011013, OMIM 601198.
Familial hypocalciuric hypercalcemia (FHH). Also called: Familial benign hypercalcemia. Identifiers: Orphanet 405, MedGen C1809471, MONDO:0018458.

Submissions (2):

Women's Health and Genetics/Laboratory Corporation of America, LabCorp
Classification: Uncertain significance. Last evaluated: 2024-12-09. Review status: criteria provided, single submitter. Criteria: LabCorp Variant Classification Summary - May 2015. Collection method: clinical testing. Allele origin: germline.
Comment: Variant summary: CASR c.1024T>C (p.Ser342Pro) results in a non-conservative amino acid change in the encoded protein sequence. Four of five in-silico tools predict a damaging effect of the variant on protein function. The variant was absent in 251310 control chromosomes. The available data on variant occurrences in the general population are insufficient to allow any conclusion about variant significance. To our knowledge, no occurrence of c.1024T>C in individuals affected with Autosomal Dominant Hypocalcemia and no experimental evidence demonstrating its impact on protein function have been reported. ClinVar contains an entry for this variant (Variation ID: 1015015). Based on the evidence outlined above, the variant was classified as uncertain significance.

Labcorp Genetics (formerly Invitae), Labcorp
Classification: Uncertain significance for Familial hypocalciuric hypercalcemia; Autosomal dominant hypocalcemia 1. Last evaluated: 2020-03-17. Review status: criteria provided, single submitter. Criteria: Invitae Variant Classification Sherloc (09022015). Collection method: clinical testing. Allele origin: germline.
Comment: This sequence change replaces serine with proline at codon 342 of the CASR protein (p.Ser342Pro). The serine residue is highly conserved and there is a moderate physicochemical difference between serine and proline. This variant is not present in population databases (ExAC no frequency). This variant has not been reported in the literature in individuals with CASR-related conditions. Algorithms developed to predict the effect of missense changes on protein structure and function are either unavailable or do not agree on the potential impact of this missense change (SIFT: "Deleterious"; PolyPhen-2: "Possibly Damaging"; Align-GVGD: "Class C15"). In summary, the available evidence is currently insufficient to determine the role of this variant in disease. Therefore, it has been classified as a Variant of Uncertain Significance.

NM_000388.4(CASR):c.1024T>C (p.Ser342Pro)

Gene: CASR (calcium sensing receptor; plus strand). Cytogenetic location: 3q21.1.
Variant type: single nucleotide variant.
Coding change: c.1024T>C on transcript NM_000388.4 (MANE Select); coding-DNA position 1024, T replaced by C.
Protein change: p.Ser342Pro; replaces serine 342 with proline.
Molecular consequence: missense variant.
Genome position (GRCh38, 1-based): chr3:122,262,059, T>C. VCF-style: chr3-122262059-T-C. GRCh37 (hg19) VCF-style: chr3-121980906-T-C.
Other names: c.1024T>C, p.Ser342Pro (NM_001178065.2); short protein forms S342P.
Identifiers: ClinVar variation 1015015 (VCV001015015.10), dbSNP rs2074632920, ClinGen allele CA354152195.